The following is an entry in ClinVar:

ClinVar aggregate classification (germline): Uncertain significance (1 of 4 stars; one submission).

Submission:

Greenwood Genetic Center Diagnostic Laboratories, Greenwood Genetic Center
Classification: Uncertain significance. Last evaluated: 2024-12-13. Review status: criteria provided, single submitter. Criteria: ACMG Guidelines, 2015. Collection method: clinical testing. Allele origin: germline. Affected: yes.
Comment: PM2

NM_001365902.3(NFIX):c.1350C>G (p.Ser450=)

Gene: NFIX (nuclear factor I X; plus strand). Cytogenetic location: 19p13.13.
Variant type: single nucleotide variant.
Coding change: c.1350C>G on transcript NM_001365902.3 (MANE Select); coding-DNA position 1350, C replaced by G.
Protein change: p.Ser450=; no amino-acid change (serine 450 retained).
Molecular consequence: synonymous variant. On other transcripts: intron variant (5).
Genome position (GRCh38, 1-based): chr19:13,088,084, C>G. VCF-style: chr19-13088084-C-G. GRCh37 (hg19) VCF-style: chr19-13198898-C-G.
Other names: c.1374C>G, p.Ser458= (NM_001271043.2); c.1347C>G, p.Ser449= (NM_001365984.2); c.1326C>G, p.Ser442= (NM_001378404.1); c.1398C>G, p.Ser466= (NM_001378405.1); c.1255-2215C>G (NM_002501.4); c.1132-2215C>G (NM_001365982.2); c.1231-2215C>G (NM_001271044.3); c.1114-2215C>G (NM_001365983.2); and 1 more.
Identifiers: ClinVar variation 3765824 (VCV003765824.1).
Genomic context (GRCh38, chr19:13,088,084, plus strand): 5'-ATTTTTGCTACCGCCGCCGCCTCCAGTGGCCAGACCTGTGCCCCTTCCTATGCCTGATTC[C>G]AAATCCACCAGCACTGCCCCAGACGGCGCCGCCTTGACTCCTCCATCACCTTGTAAGTGG-3'
Protein context (NP_001352831.1, residues 440-460): ARPVPLPMPD[Ser450=]KSTSTAPDGA